The following is an entry in ClinVar:

NM_001267550.2(TTN):c.9221G>A (p.Arg3074Gln)

Gene: TTN (titin; minus strand). Cytogenetic location: 2q31.2.
Variant type: single nucleotide variant.
Coding change: c.9221G>A on transcript NM_001267550.2 (MANE Select); coding-DNA position 9221, G replaced by A.
Protein change: p.Arg3074Gln; replaces arginine 3074 with glutamine.
Molecular consequence: missense variant.
Genome position (GRCh38, 1-based): chr2:178,768,098, C>T on the plus strand (G>A on the coding strand, the complement: TTN is on the minus strand). VCF-style: chr2-178768098-C-T. GRCh37 (hg19) VCF-style: chr2-179632825-C-T.
Other names: c.9221G>A, p.Arg3074Gln (NM_001256850.1, NM_133378.4, NM_133379.5); c.9083G>A, p.Arg3028Gln (NM_003319.4, NM_133432.3, NM_133437.4); short protein forms R3028Q, R3074Q.
Identifiers: ClinVar variation 3766680 (VCV003766680.1).

ClinVar aggregate classification (germline): Uncertain significance (1 of 4 stars; one submission).

gnomAD v4.1: 10 of 1,614,072 alleles (0.00062%); highest among the groups gnomAD compares: East Asian, 0.0089%; no homozygotes.

Submission:

ARUP Laboratories, Molecular Genetics and Genomics, ARUP Laboratories
Classification: Uncertain significance. Last evaluated: 2024-06-21. Review status: criteria provided, single submitter. Criteria: ARUP Molecular Germline Variant Investigation Process 2024. Collection method: clinical testing. Allele origin: germline.
Comment: The TTN c.9221G>A; p.Arg3074Gln variant (rs565052824) is rare in the general population (<0.2% allele frequency in the Genome Aggregation Database) and has not been reported in the medical literature in association with dilated cardiomyopathy (DCM) or other TTN-related disease. The clinical relevance of rare missense variants in this gene, which are identified on average once per individual sequenced in affected populations (Herman 2012), is not well understood. Yet, evidence suggests that the vast majority of such missense variants do not contribute to the clinical outcome of DCM (Begay 2015). Thus, the clinical significance of the p.Arg3074Gln variant cannot be determined with certainty. References: Begay RL et al. Role of Titin Missense Variants in Dilated Cardiomyopathy. J Am Heart Assoc. 2015 Nov 13;4(11). PMID: 26567375. Herman DS et al. Truncations of titin causing dilated cardiomyopathy. N Engl J Med. 2012 Feb 16;366(7):619-28. PMID: 22335739. Linke WA and Hamdani N. Gigantic business: titin properties and function through thick and thin. Circ Res 2014; 114(6): 1052-1068. PMID: 24625729.